The following is an entry in ClinVar:

ClinVar aggregate classification (germline): Pathogenic (1 of 4 stars; one submission).

Conditions:
Early-infantile DEE. Also called: Ohtahara syndrome; Early infantile epileptic encephalopathy; Early infantile epileptic encephalopathy with suppression bursts. Identifiers: Orphanet 1934, MedGen C0393706, MONDO:0800491.

Submission:

Labcorp Genetics (formerly Invitae), Labcorp
Classification: Pathogenic for Early-infantile DEE. Last evaluated: 2024-08-31. Review status: criteria provided, single submitter. Criteria: Invitae Variant Classification Sherloc (09022015). Collection method: clinical testing. Allele origin: germline.
Comment: This sequence change results in a frameshift in the KCNQ2 gene (p.Glu778Glyfs*152). While this is not anticipated to result in nonsense mediated decay, it is expected to disrupt the last 95 amino acid(s) of the KCNQ2 protein and extend the protein by 56 additional amino acid residues. This variant is not present in population databases (gnomAD no frequency). This variant has not been reported in the literature in individuals affected with KCNQ2-related conditions. This variant results in an extension of the KCNQ2 protein. Other variant(s) that result in a similarly extended protein product (p.Arg871Glyfs*61) have been determined to be pathogenic (PMID: 14534157, 24375629). This suggests that these extensions are likely to be disease-causing. For these reasons, this variant has been classified as Pathogenic.

Literature cited by the submitters: PubMed 14534157; PubMed 24375629.

NM_172107.4(KCNQ2):c.2333del (p.Glu778fs)

Gene: KCNQ2 (potassium voltage-gated channel subfamily Q member 2; minus strand). Cytogenetic location: 20q13.33.
Variant type: Deletion.
Coding change: c.2333del on transcript NM_172107.4 (MANE Select); coding-DNA position 2333, one base deleted (A; older notation c.2333delA).
Protein change: p.Glu778fs; shifts the reading frame from glutamic acid 778.
Molecular consequence: frameshift variant.
Genome position (GRCh38, 1-based): chr20:63,406,930, T deleted on the plus strand (A on the coding strand, the reverse complement: KCNQ2 is on the minus strand). VCF-style (leftmost placement, unchanged base first): chr20-63406929-CT-C. GRCh37 (hg19) VCF-style: chr20-62038282-CT-C.
Other names: c.2279del, p.Glu760fs (NM_172106.3); c.2240del, p.Glu747fs (NM_172108.5); c.2387del, p.Glu796fs (NM_001382235.1); c.2249del, p.Glu750fs (NM_004518.6); short protein forms E747fs, E778fs, E750fs, E760fs, E796fs.
Identifiers: ClinVar variation 3663017 (VCV003663017.2).